The following is an entry in ClinVar:

ClinVar aggregate classification (germline): Conflicting classifications of pathogenicity. Review status: criteria provided, conflicting classifications (1 of 4 stars). 6 submissions from 6 submitters: Uncertain significance (3); Benign (1); Likely benign (1). 1 of the submissions does not count toward it. Last evaluated 2025-12-23.

Conditions:
ELAC2-related disorder. Also called: ELAC2-related condition.
Combined oxidative phosphorylation defect type 17. Also called: Combined oxidative phosphorylation deficiency 17. Identifiers: Orphanet 369913, MedGen C3809526, MONDO:0014190, OMIM 615440.
Prostate cancer, hereditary, 2 (HPC2). Identifiers: Orphanet 1331, MedGen C3539120, MONDO:0013872, OMIM 614731.

Allele frequency attached by ClinVar (database versions not stated): gnomAD exomes 0.00007 and 0.00029; gnomAD 0.00016 and 0.00023; TOPMed 0.00017; ESP Exome Variant Server 0.00023; ExAC 0.00033; 1000 Genomes Project 30x 0.00141; 1000 Genomes Project 0.00180.
gnomAD v4.1: 176 of 1,613,876 alleles (0.011%); highest among the groups gnomAD compares: East Asian, 0.13%; no homozygotes.

Submissions (6):

Labcorp Genetics (formerly Invitae), Labcorp
Classification: Likely benign for Combined oxidative phosphorylation defect type 17. Last evaluated: 2025-12-23. Review status: criteria provided, single submitter. Criteria: Invitae Variant Classification Sherloc (09022015). Collection method: clinical testing. Allele origin: germline.

GeneDx
Classification: Uncertain significance. Last evaluated: 2025-12-10. Review status: criteria provided, single submitter. Criteria: GeneDx Variant Classification Process June 2021. Collection method: clinical testing. Allele origin: germline. Affected: yes.
Comment: In silico analysis supports that this missense variant has a deleterious effect on protein structure/function; Has not been previously published as pathogenic or benign to our knowledge

KCCC/NGS Laboratory, Kuwait Cancer Control Center
Classification: Benign for Prostate cancer, hereditary, 2. Last evaluated: 2025-02-01. Review status: criteria provided, single submitter. Criteria: ACMG Guidelines, 2015. Collection method: clinical testing. Allele origin: germline. Affected: no.

Mayo Clinic Laboratories, Mayo Clinic
Classification: Uncertain significance. Last evaluated: 2024-04-11. Review status: criteria provided, single submitter. Criteria: ACMG Guidelines, 2015. Collection method: clinical testing. Allele origin: germline. Observed: 1 variant allele.
Comment: BS1

Revvity Omics, Revvity
Classification: Uncertain significance for Combined oxidative phosphorylation defect type 17. Last evaluated: 2021-01-26. Review status: criteria provided, single submitter. Criteria: ACMG Guidelines, 2015. Collection method: clinical testing. Allele origin: germline.

PreventionGenetics, part of Exact Sciences
Classification: Likely benign for ELAC2-related condition. Last evaluated: 2024-03-27. Review status: no assertion criteria provided. Collection method: clinical testing. Allele origin: germline. Not counted in ClinVar's aggregate classification.
Comment: This variant is classified as likely benign based on ACMG/AMP sequence variant interpretation guidelines (Richards et al. 2015 PMID: 25741868, with internal and published modifications).

NM_018127.7(ELAC2):c.347C>T (p.Ser116Phe)

Gene: ELAC2 (elaC ribonuclease Z 2; minus strand). Cytogenetic location: 17p12.
Variant type: single nucleotide variant.
Coding change: c.347C>T on transcript NM_018127.7 (MANE Select); coding-DNA position 347, C replaced by T.
Protein change: p.Ser116Phe; replaces serine 116 with phenylalanine.
Molecular consequence: missense variant.
Genome position (GRCh38, 1-based): chr17:13,016,882, G>A on the plus strand (C>T on the coding strand, the complement: ELAC2 is on the minus strand). VCF-style: chr17-13016882-G-A. GRCh37 (hg19) VCF-style: chr17-12920199-G-A.
Other names: p.Ser116Phe; c.347C>T (NM_001165962.1); c.347C>T, p.Ser116Phe (NM_001165962.2, NM_173717.2); short protein forms S116F.
Identifiers: ClinVar variation 415248 (VCV000415248.18), dbSNP rs140665334, ClinGen allele CA8401716.